The following is an entry in ClinVar:

NM_000113.3(TOR1A):c.246_247del (p.Phe84fs)

Gene: TOR1A (torsin family 1 member A; minus strand). Cytogenetic location: 9q34.11.
Variant type: Deletion.
Coding change: c.246_247del on transcript NM_000113.3 (MANE Select); coding-DNA positions 246 to 247, 2 bases deleted (CG; older notation c.246_247delCG).
Protein change: p.Phe84fs; shifts the reading frame from phenylalanine 84.
Molecular consequence: frameshift variant.
Genome position (GRCh38, 1-based): chr9:129,822,778-129,822,779, CG deleted on the plus strand (CG on the coding strand, the reverse complement: TOR1A is on the minus strand). VCF-style (leftmost placement, unchanged base first): chr9-129822777-ACG-A. GRCh37 (hg19) VCF-style: chr9-132585056-ACG-A.
Other names: short protein forms F84fs.
Identifiers: ClinVar variation 2057061 (VCV002057061.4), dbSNP rs1433153538, ClinGen allele CA860381044.
Genomic context (GRCh38, chr9:129,822,777, plus strand): 5'-CACCCGTGCAGGGAGAGCGTGAGAGGTTTCTTGGGCTTTGGGTTGTTTATGAAACCAAAC[ACG>A]GCATTTAAGATGATTTTCTTTGCAAGATGCTGTCCAAAGAGGTTGTCGTCCAGATCCTTC-3'

ClinVar aggregate classification (germline): Uncertain significance (1 of 4 stars; one submission).

Conditions:
Dystonic disorder. Also called: Dystonia. Identifiers: MedGen C0013421, MONDO:0003441, HP:0001332.

Allele frequency attached by ClinVar (database versions not stated): gnomAD 0.00001; TOPMed 0.00001; gnomAD exomes 0.00001.

Submission:

Labcorp Genetics (formerly Invitae), Labcorp
Classification: Uncertain significance for Dystonic disorder. Last evaluated: 2022-09-22. Review status: criteria provided, single submitter. Criteria: Invitae Variant Classification Sherloc (09022015). Collection method: clinical testing. Allele origin: germline.
Comment: This sequence change creates a premature translational stop signal (p.Phe84Trpfs*43) in the TOR1A gene. It is expected to result in an absent or disrupted protein product. However, the current clinical and genetic evidence is not sufficient to establish whether loss-of-function variants in TOR1A cause disease. In summary, the available evidence is currently insufficient to determine the role of this variant in disease. Therefore, it has been classified as a Variant of Uncertain Significance. This variant has not been reported in the literature in individuals affected with TOR1A-related conditions. This variant is not present in population databases (gnomAD no frequency).